The following is an entry in ClinVar:

NM_177438.3(DICER1):c.160G>A (p.Ala54Thr)

Gene: DICER1 (dicer 1, ribonuclease III; minus strand). Cytogenetic location: 14q32.13.
Variant type: single nucleotide variant.
Coding change: c.160G>A on transcript NM_177438.3 (MANE Select); coding-DNA position 160, G replaced by A.
Protein change: p.Ala54Thr; replaces alanine 54 with threonine.
Molecular consequence: missense variant. On other transcripts: 5 prime UTR variant (9), non-coding transcript variant (6).
Genome position (GRCh38, 1-based): chr14:95,132,662, C>T on the plus strand (G>A on the coding strand, the complement: DICER1 is on the minus strand). VCF-style: chr14-95132662-C-T. GRCh37 (hg19) VCF-style: chr14-95598999-C-T.
Other names: c.160G>A, p.Ala54Thr (NM_001195573.1, NM_001271282.3, NM_001291628.2 and 14 more transcripts); c.-115G>A (NM_001395686.1, NM_001395687.1, NM_001395688.1 and 4 more transcripts); c.-299G>A (NM_001395691.1); c.-1409G>A (NM_001395697.1); short protein forms A54T.
Identifiers: ClinVar variation 3624814 (VCV003624814.2).

ClinVar aggregate classification (germline): Uncertain significance (1 of 4 stars; one submission).

Conditions:
DICER1-related tumor predisposition. Also called: DICER1 syndrome; DICER1-related pleuropulmonary blastoma cancer predisposition syndrome. Identifiers: Orphanet 284343, MedGen C3839822, MONDO:0100216.

Submission:

Labcorp Genetics (formerly Invitae), Labcorp
Classification: Uncertain significance for DICER1-related tumor predisposition. Last evaluated: 2024-08-15. Review status: criteria provided, single submitter. Criteria: Invitae Variant Classification Sherloc (09022015). Collection method: clinical testing. Allele origin: germline.
Comment: This sequence change replaces alanine, which is neutral and non-polar, with threonine, which is neutral and polar, at codon 54 of the DICER1 protein (p.Ala54Thr). This variant is not present in population databases (gnomAD no frequency). This variant has not been reported in the literature in individuals affected with DICER1-related conditions. Invitae Evidence Modeling of protein sequence and biophysical properties (such as structural, functional, and spatial information, amino acid conservation, physicochemical variation, residue mobility, and thermodynamic stability) indicates that this missense variant is not expected to disrupt DICER1 protein function with a negative predictive value of 80%. In summary, the available evidence is currently insufficient to determine the role of this variant in disease. Therefore, it has been classified as a Variant of Uncertain Significance.